The following is an entry in ClinVar:

ClinVar aggregate classification (germline): Uncertain significance (1 of 4 stars; one submission).

Allele frequency attached by ClinVar (database versions not stated): gnomAD exomes below 0.00001.
gnomAD v4.1: 2 of 1,613,938 alleles (0.00012%); highest among the groups gnomAD compares: Non-Finnish European, 0.00017%; no homozygotes.

Submission:

GeneDx
Classification: Uncertain significance. Last evaluated: 2020-04-09. Review status: criteria provided, single submitter. Criteria: GeneDx Variant Classification Process June 2021. Collection method: clinical testing. Allele origin: germline. Affected: yes.
Comment: Not observed at a significant frequency in large population cohorts (Lek et al., 2016); Missense variants in this gene are often considered pathogenic (Stenson et al., 2014); In silico analysis supports that this missense variant does not alter protein structure/function; Has not been previously published as pathogenic or benign to our knowledge; This substitution is predicted to be within the C-terminal cytoplasmic domain

NM_001040142.2(SCN2A):c.5680G>C (p.Glu1894Gln)

Gene: SCN2A (sodium voltage-gated channel alpha subunit 2; plus strand). Cytogenetic location: 2q24.3.
Variant type: single nucleotide variant.
Coding change: c.5680G>C on transcript NM_001040142.2 (MANE Select); coding-DNA position 5680, G replaced by C.
Protein change: p.Glu1894Gln; replaces glutamic acid 1894 with glutamine.
Molecular consequence: missense variant.
Genome position (GRCh38, 1-based): chr2:165,389,486, G>C. VCF-style: chr2-165389486-G-C. GRCh37 (hg19) VCF-style: chr2-166245996-G-C.
Other names: c.5680G>C, p.Glu1894Gln (NM_001040143.2, NM_001371246.1, NM_001371247.1 and 1 more transcripts); short protein forms E1894Q.
Identifiers: ClinVar variation 1204994 (VCV001204994.3), dbSNP rs1393820493, ClinGen allele CA349039796.